The following is an entry in ClinVar:

NM_018668.5(VPS33B):c.514T>C (p.Trp172Arg)

Gene: VPS33B (VPS33B late endosome and lysosome associated; minus strand). Cytogenetic location: 15q26.1.
Variant type: single nucleotide variant.
Coding change: c.514T>C on transcript NM_018668.5 (MANE Select); coding-DNA position 514, T replaced by C.
Protein change: p.Trp172Arg; replaces tryptophan 172 with arginine.
Molecular consequence: missense variant.
Genome position (GRCh38, 1-based): chr15:91,007,558, A>G on the plus strand (T>C on the coding strand, the complement: VPS33B is on the minus strand). VCF-style: chr15-91007558-A-G. GRCh37 (hg19) VCF-style: chr15-91550788-A-G.
Other names: c.433T>C, p.Trp145Arg (NM_001289148.1); c.241T>C, p.Trp81Arg (NM_001289149.1); short protein forms W81R, W172R, W145R.
Identifiers: ClinVar variation 3658147 (VCV003658147.2).

ClinVar aggregate classification (germline): Uncertain significance (1 of 4 stars; one submission).

Submission:

Labcorp Genetics (formerly Invitae), Labcorp
Classification: Uncertain significance. Last evaluated: 2025-05-05. Review status: criteria provided, single submitter. Criteria: Invitae Variant Classification Sherloc (09022015). Collection method: clinical testing. Allele origin: germline.
Comment: This sequence change replaces tryptophan, which is neutral and slightly polar, with arginine, which is basic and polar, at codon 172 of the VPS33B protein (p.Trp172Arg). This variant is not present in population databases (gnomAD no frequency). This variant has not been reported in the literature in individuals affected with VPS33B-related conditions. ClinVar contains an entry for this variant (Variation ID: 3658147). Invitae Evidence Modeling of protein sequence and biophysical properties (such as structural, functional, and spatial information, amino acid conservation, physicochemical variation, residue mobility, and thermodynamic stability) indicates that this missense variant is expected to disrupt VPS33B protein function with a positive predictive value of 80%. In summary, the available evidence is currently insufficient to determine the role of this variant in disease. Therefore, it has been classified as a Variant of Uncertain Significance.